The following is an entry in ClinVar:

NM_145059.3(FCSK):c.1466G>A (p.Arg489His)

Gene: FCSK (fucose kinase; plus strand). Cytogenetic location: 16q22.1.
Variant type: single nucleotide variant.
Coding change: c.1466G>A on transcript NM_145059.3 (MANE Select); coding-DNA position 1466, G replaced by A.
Protein change: p.Arg489His; replaces arginine 489 with histidine.
Molecular consequence: missense variant.
Genome position (GRCh38, 1-based): chr16:70,473,042, G>A. VCF-style: chr16-70473042-G-A. GRCh37 (hg19) VCF-style: chr16-70506945-G-A.
Other names: short protein forms R489H.
Identifiers: ClinVar variation 1682370 (VCV001682370.6), dbSNP rs1472651028, ClinGen allele CA396570145.

ClinVar aggregate classification (germline): Uncertain significance (1 of 4 stars; one submission).

Allele frequency attached by ClinVar (database versions not stated): TOPMed below 0.00001; gnomAD exomes 0.00001.
gnomAD v4.1: 5 of 1,590,152 alleles (0.00031%); highest among the groups gnomAD compares: East Asian, 0.0046%; no homozygotes.

Submission:

Labcorp Genetics (formerly Invitae), Labcorp
Classification: Uncertain significance. Last evaluated: 2023-12-06. Review status: criteria provided, single submitter. Criteria: Invitae Variant Classification Sherloc (09022015). Collection method: clinical testing. Allele origin: germline.
Comment: This sequence change replaces arginine, which is basic and polar, with histidine, which is basic and polar, at codon 489 of the FUK protein (p.Arg489His). The frequency data for this variant in the population databases is considered unreliable, as metrics indicate poor data quality at this position in the gnomAD database. This variant has not been reported in the literature in individuals affected with FUK-related conditions. ClinVar contains an entry for this variant (Variation ID: 1682370). An algorithm developed to predict the effect of missense changes on protein structure and function (PolyPhen-2) suggests that this variant is likely to be tolerated. In summary, the available evidence is currently insufficient to determine the role of this variant in disease. Therefore, it has been classified as a Variant of Uncertain Significance.